The following is an entry in ClinVar:

NM_000179.3(MSH6):c.141T>G (p.Asp47Glu)

Gene: MSH6 (mutS homolog 6; plus strand). Cytogenetic location: 2p16.3.
Variant type: single nucleotide variant.
Coding change: c.141T>G on transcript NM_000179.3 (MANE Select); coding-DNA position 141, T replaced by G.
Protein change: p.Asp47Glu; replaces aspartic acid 47 with glutamic acid.
Molecular consequence: missense variant. On other transcripts: 5 prime UTR variant (1).
Genome position (GRCh38, 1-based): chr2:47,783,374, T>G. VCF-style: chr2-47783374-T-G. GRCh37 (hg19) VCF-style: chr2-48010513-T-G.
Other names: c.141T>G, p.Asp47Glu (NM_001281492.2); c.-596T>G (NM_001281493.2); c.141T>G (NM_000179.2); short protein forms D47E.
Identifiers: ClinVar variation 1393402 (VCV001393402.8), dbSNP rs1668124415, ClinGen allele CA346734919.

ClinVar aggregate classification (germline): Uncertain significance. Review status: criteria provided, multiple submitters, no conflicts (2 of 4 stars). 3 submissions from 3 submitters: Uncertain significance (3). Last evaluated 2026-02-20.

Conditions:
Hereditary nonpolyposis colorectal neoplasms. Identifiers: MedGen C0009405, MeSH D003123.
Lynch syndrome. Identifiers: Orphanet 144, MedGen C4552100, MONDO:0005835. Disease mechanism: loss of function.
Hereditary cancer-predisposing syndrome. Also called: Hereditary neoplastic syndrome; Tumor predisposition; Neoplastic Syndromes, Hereditary; Hereditary Cancer Syndrome. Identifiers: Orphanet 140162, MedGen C0027672, MeSH D009386, MONDO:0015356.

Submissions (3):

Ambry Genetics
Classification: Uncertain significance for Hereditary cancer-predisposing syndrome. Last evaluated: 2026-02-20. Review status: criteria provided, single submitter. Criteria: Ambry Variant Classification Scheme 2023. Collection method: clinical testing. Allele origin: germline.
Comment: The p.D47E variant (also known as c.141T>G), located in coding exon 1 of the MSH6 gene, results from a T to G substitution at nucleotide position 141. The aspartic acid at codon 47 is replaced by glutamic acid, an amino acid with highly similar properties. This amino acid position is conserved. In addition, this alteration is predicted to be tolerated by in silico analysis. Based on the available evidence, the clinical significance of this variant remains unclear.

Labcorp Genetics (formerly Invitae), Labcorp
Classification: Uncertain significance for Hereditary nonpolyposis colorectal neoplasms. Last evaluated: 2025-05-27. Review status: criteria provided, single submitter. Criteria: Invitae Variant Classification Sherloc (09022015). Collection method: clinical testing. Allele origin: germline.
Comment: This sequence change replaces aspartic acid, which is acidic and polar, with glutamic acid, which is acidic and polar, at codon 47 of the MSH6 protein (p.Asp47Glu). This variant is not present in population databases (gnomAD no frequency). This variant has not been reported in the literature in individuals affected with MSH6-related conditions. ClinVar contains an entry for this variant (Variation ID: 1393402). Invitae Evidence Modeling of protein sequence and biophysical properties (such as structural, functional, and spatial information, amino acid conservation, physicochemical variation, residue mobility, and thermodynamic stability) indicates that this missense variant is not expected to disrupt MSH6 protein function with a negative predictive value of 95%. In summary, the available evidence is currently insufficient to determine the role of this variant in disease. Therefore, it has been classified as a Variant of Uncertain Significance.

All of Us Research Program, National Institutes of Health
Classification: Uncertain significance for Lynch syndrome. Last evaluated: 2024-01-11. Review status: criteria provided, single submitter. Criteria: ACMG Guidelines, 2015. Collection method: clinical testing. Allele origin: germline. Inheritance: Autosomal dominant inheritance. Observed: 1 variant allele, 1 heterozygote.
Comment: This study involves interpretation of variants in research participants for the purpose of population health screening. Participant phenotype was not available at the time of variant classification. Additional details can be found in publication PMID: 35346344, PMCID: PMC8962531